The following is an entry in ClinVar:

NM_001002295.2(GATA3):c.706_712delinsTGCTGTACTCTGCC (p.Pro236fs)

Gene: GATA3 (GATA binding protein 3; plus strand). Cytogenetic location: 10p14.
Variant type: Indel.
Coding change: c.706_712delinsTGCTGTACTCTGCC on transcript NM_001002295.2 (MANE Select); coding-DNA positions 706 to 712, CCCAGCA replaced by TGCTGTACTCTGCC.
Protein change: p.Pro236fs; shifts the reading frame from proline 236.
Molecular consequence: frameshift variant.
Genome position (GRCh38, 1-based): chr10:8,058,769-8,058,775, CCCAGCA replaced by TGCTGTACTCTGCC. VCF-style: chr10-8058769-CCCAGCA-TGCTGTACTCTGCC. GRCh37 (hg19) VCF-style: chr10-8100732-CCCAGCA-TGCTGTACTCTGCC.
Other names: c.706_712delinsTGCTGTACTCTGCC, p.Pro236fs (NM_001441115.1, NM_001441116.1, NM_001441117.1 and 18 more transcripts); short protein forms P236fs.
Identifiers: ClinVar variation 4292108 (VCV004292108.1).
Genomic context (GRCh38, chr10:8,058,769, plus strand): 5'-CACCACCCCATCACCACCTACCCGCCCTACGTGCCCGAGTACAGCTCCGGACTCTTCCCC[CCCAGCA>TGCTGTACTCTGCC]GCCTGCTGGGCGGCTCCCCCACCGGCTTCGGATGCAAGTCCAGGCCCAAGGCCCGGTCCA-3'

ClinVar aggregate classification (germline): Likely pathogenic (1 of 4 stars; one submission).

Conditions:
Hypoparathyroidism, deafness, renal disease syndrome (HDRS). Also called: HYPOPARATHYROIDISM, SENSORINEURAL DEAFNESS, AND RENAL DYSPLASIA SYNDROME. Identifiers: Orphanet 2237, MedGen C1840333, MONDO:0007797, OMIM 146255.

Submission:

3billion
Classification: Likely pathogenic for Hypoparathyroidism, deafness, renal disease syndrome. Last evaluated: 2025-02-05. Review status: criteria provided, single submitter. Criteria: ACMG Guidelines, 2015. Collection method: clinical testing. Allele origin: germline. Affected: yes.
Comment: The variant is not observed in the gnomAD v4.1.0 dataset. Predicted Consequence/Location: Frameshift: predicted to result in a loss or disruption of normal protein function through nonsense-mediated decay (NMD) or protein truncation. Multiple pathogenic variants are reported downstream of the variant. Therefore, this variant is classified as Likely pathogenic according to the recommendation of ACMG/AMP guideline.